The following is an entry in ClinVar:

ClinVar aggregate classification (germline): Likely benign (1 of 4 stars; one submission).

Conditions:
TULP3-related condition.

Submission:

PreventionGenetics, part of Exact Sciences
Classification: Likely benign for TULP3-related condition. Last evaluated: 2026-09-02. Review status: criteria provided, single submitter. Criteria: ACMG Guidelines, 2015. Collection method: clinical testing. Allele origin: germline.
Comment: This variant is classified as likely benign based on ACMG/AMP sequence variant interpretation guidelines (Richards et al. 2015 PMID: 25741868, with internal and published modifications).

NM_003324.5(TULP3):c.*1195G>A

Gene: TULP3 (TUB like protein 3; plus strand). Cytogenetic location: 12p13.33.
Variant type: single nucleotide variant.
Coding change: c.*1195G>A on transcript NM_003324.5 (MANE Select); 1195 bases downstream of the stop codon, G replaced by A.
Molecular consequence: 3 prime UTR variant. On other transcripts: synonymous variant (1).
Genome position (GRCh38, 1-based): chr12:2,940,639, G>A. VCF-style: chr12-2940639-G-A. GRCh37 (hg19) VCF-style: chr12-3049805-G-A.
Other names: c.1419G>A, p.Pro473= (NM_001160408.2).
Identifiers: ClinVar variation 4981506 (VCV004981506.1).